The following is an entry in ClinVar:

NM_001297.5(CNGB1):c.499G>T (p.Glu167Ter)

Gene: CNGB1 (cyclic nucleotide gated channel subunit beta 1; minus strand). Cytogenetic location: 16q21.
Variant type: single nucleotide variant.
Coding change: c.499G>T on transcript NM_001297.5 (MANE Select); coding-DNA position 499, G replaced by T.
Protein change: p.Glu167Ter; replaces glutamic acid 167 with a stop codon.
Molecular consequence: nonsense.
Genome position (GRCh38, 1-based): chr16:57,960,875, C>A on the plus strand (G>T on the coding strand, the complement: CNGB1 is on the minus strand). VCF-style: chr16-57960875-C-A. GRCh37 (hg19) VCF-style: chr16-57994779-C-A.
Other names: c.499G>T, p.Glu167Ter (NM_001135639.2, NM_001286130.2); short protein forms E167*.
Identifiers: ClinVar variation 1371743 (VCV001371743.6), dbSNP rs777876683, ClinGen allele CA396078300.

ClinVar aggregate classification (germline): Pathogenic (1 of 4 stars; one submission).

Submission:

Labcorp Genetics (formerly Invitae), Labcorp
Classification: Pathogenic. Last evaluated: 2021-10-01. Review status: criteria provided, single submitter. Criteria: Invitae Variant Classification Sherloc (09022015). Collection method: clinical testing. Allele origin: germline.
Comment: This sequence change creates a premature translational stop signal (p.Glu167*) in the CNGB1 gene. It is expected to result in an absent or disrupted protein product. Loss-of-function variants in CNGB1 are known to be pathogenic (PMID: 15557452, 24043777). This variant is not present in population databases (ExAC no frequency). For these reasons, this variant has been classified as Pathogenic. This variant has not been reported in the literature in individuals affected with CNGB1-related conditions.

Literature cited by the submitters: PubMed 15557452; PubMed 24043777.